The following is an entry in ClinVar:

NM_025152.3(NUBPL):c.927A>T (p.Glu309Asp)

Gene: NUBPL (NUBP iron-sulfur cluster assembly factor, mitochondrial; plus strand). Cytogenetic location: 14q12.
Variant type: single nucleotide variant.
Coding change: c.927A>T on transcript NM_025152.3 (MANE Select); coding-DNA position 927, A replaced by T.
Protein change: p.Glu309Asp; replaces glutamic acid 309 with aspartic acid.
Molecular consequence: missense variant. On other transcripts: non-coding transcript variant (1).
Genome position (GRCh38, 1-based): chr14:31,859,147, A>T. VCF-style: chr14-31859147-A-T. GRCh37 (hg19) VCF-style: chr14-32328353-A-T.
Other names: c.639A>T, p.Glu213Asp (NM_001201573.2); c.378A>T, p.Glu126Asp (NM_001201574.2); short protein forms E126D, E213D, E309D.
Identifiers: ClinVar variation 2497840 (VCV002497840.1), dbSNP rs1210887298, ClinGen allele CA389481408.
Genomic context (GRCh38, chr14:31,859,147, plus strand): 5'-ATACAGAACAAATAAGTTTGTTCTTTTCCAGGCCAAAGCTTACTTGAGGATTGCTGTGGA[A>T]GTGGTAAGAAGATTGCCATCACCTTCAGAATGATTCCCCAAGTGTCCTGGAAATTTGCCT-3'
Protein context (NP_079428.2, residues 299-319): EAKAYLRIAV[Glu309Asp]VVRRLPSPSE

ClinVar aggregate classification (germline): Uncertain significance (1 of 4 stars; one submission).

Allele frequency attached by ClinVar (database versions not stated): gnomAD 0.00001; TOPMed 0.00001.
gnomAD v4.1: 1 of 1,613,850 alleles (0.000062%); highest among the groups gnomAD compares: African/African-American, 0.0013%; no homozygotes.

Submission:

GeneDx
Classification: Uncertain significance. Last evaluated: 2022-10-05. Review status: criteria provided, single submitter. Criteria: GeneDx Variant Classification Process June 2021. Collection method: clinical testing. Allele origin: germline. Affected: yes.
Comment: Not observed at significant frequency in large population cohorts (gnomAD); In silico analysis supports that this missense variant does not alter protein structure/function; Has not been previously published as pathogenic or benign to our knowledge